The following is an entry in ClinVar:

NM_000548.5(TSC2):c.4004G>C (p.Arg1335Thr)

Gene: TSC2 (TSC complex subunit 2; plus strand). Cytogenetic location: 16p13.3.
Variant type: single nucleotide variant.
Coding change: c.4004G>C on transcript NM_000548.5 (MANE Select); coding-DNA position 4004, G replaced by C.
Protein change: p.Arg1335Thr; replaces arginine 1335 with threonine.
Molecular consequence: missense variant.
Genome position (GRCh38, 1-based): chr16:2,083,815, G>C. VCF-style: chr16-2083815-G-C. GRCh37 (hg19) VCF-style: chr16-2133816-G-C.
Other names: c.3803G>C, p.Arg1268Thr (NM_001077183.3); c.3935G>C, p.Arg1312Thr (NM_001114382.3); c.3695G>C, p.Arg1232Thr (NM_001318827.2); c.3659G>C, p.Arg1220Thr (NM_001318829.2); c.3272G>C, p.Arg1091Thr (NM_001318831.2); c.3836G>C, p.Arg1279Thr (NM_001318832.2); c.3806G>C, p.Arg1269Thr (NM_001363528.2); c.3872G>C, p.Arg1291Thr (NM_001370404.1); and 1 more; short protein forms R1335T, R1269T, R1232T, R1291T, R1292T, R1091T, R1220T, R1268T.
Identifiers: ClinVar variation 468054 (VCV000468054.8), dbSNP rs1403658994, ClinGen allele CA394297869.

ClinVar aggregate classification (germline): Uncertain significance (1 of 4 stars; one submission).

Conditions:
Tuberous sclerosis 2 (TSC2). Identifiers: Orphanet 805, MedGen C1860707, MONDO:0013199, OMIM 613254.

Submission:

Labcorp Genetics (formerly Invitae), Labcorp
Classification: Uncertain significance for Tuberous sclerosis 2. Last evaluated: 2025-07-18. Review status: criteria provided, single submitter. Criteria: Invitae Variant Classification Sherloc (09022015). Collection method: clinical testing. Allele origin: germline.
Comment: This sequence change replaces arginine, which is basic and polar, with threonine, which is neutral and polar, at codon 1335 of the TSC2 protein (p.Arg1335Thr). This variant is not present in population databases (gnomAD no frequency). This variant has not been reported in the literature in individuals affected with TSC2-related conditions. ClinVar contains an entry for this variant (Variation ID: 468054). An algorithm developed to predict the effect of missense changes on protein structure and function (PolyPhen-2) suggests that this variant is likely to be disruptive. In summary, the available evidence is currently insufficient to determine the role of this variant in disease. Therefore, it has been classified as a Variant of Uncertain Significance.